The following is an entry in ClinVar:

NM_006904.7(PRKDC):c.1714G>T (p.Val572Phe)

Gene: PRKDC (protein kinase, DNA-activated, catalytic subunit; minus strand). Cytogenetic location: 8q11.21.
Variant type: single nucleotide variant.
Coding change: c.1714G>T on transcript NM_006904.7 (MANE Select); coding-DNA position 1714, G replaced by T.
Protein change: p.Val572Phe; replaces valine 572 with phenylalanine.
Molecular consequence: missense variant.
Genome position (GRCh38, 1-based): chr8:47,933,082, C>A on the plus strand (G>T on the coding strand, the complement: PRKDC is on the minus strand). VCF-style: chr8-47933082-C-A. GRCh37 (hg19) VCF-style: chr8-48845642-C-A.
Other names: c.1714G>T, p.Val572Phe (NM_001081640.2); short protein forms V572F.
Identifiers: ClinVar variation 1778615 (VCV001778615.2), dbSNP rs1184535587, ClinGen allele CA371165022.

ClinVar aggregate classification (germline): Uncertain significance (1 of 4 stars; one submission).

gnomAD v4.1: 5 of 1,590,430 alleles (0.00031%); highest among the groups gnomAD compares: Non-Finnish European, 0.00043%; no homozygotes.

Submission:

Ambry Genetics
Classification: Uncertain significance. Last evaluated: 2021-12-21. Review status: criteria provided, single submitter. Criteria: Ambry Variant Classification Scheme 2023. Collection method: clinical testing. Allele origin: germline.
Comment: The p.V572F variant (also known as c.1714G>T), located in coding exon 16 of the PRKDC gene, results from a G to T substitution at nucleotide position 1714. The valine at codon 572 is replaced by phenylalanine, an amino acid with highly similar properties. This amino acid position is conserved. In addition, the in silico prediction for this alteration is inconclusive. Since supporting evidence is limited at this time, the clinical significance of this alteration remains unclear.